The following is an entry in ClinVar:

ClinVar aggregate classification (germline): Uncertain significance (1 of 4 stars; one submission).

Conditions:
EGFR-related lung cancer (EGFR). Identifiers: MedGen CN130014.

Submission:

Labcorp Genetics (formerly Invitae), Labcorp
Classification: Uncertain significance for EGFR-related lung cancer. Last evaluated: 2024-11-11. Review status: criteria provided, single submitter. Criteria: Invitae Variant Classification Sherloc (09022015). Collection method: clinical testing. Allele origin: germline.
Comment: This sequence change replaces isoleucine, which is neutral and non-polar, with phenylalanine, which is neutral and non-polar, at codon 214 of the EGFR protein (p.Ile214Phe). This variant is not present in population databases (gnomAD no frequency). This variant has not been reported in the literature in individuals affected with EGFR-related conditions. Invitae Evidence Modeling of protein sequence and biophysical properties (such as structural, functional, and spatial information, amino acid conservation, physicochemical variation, residue mobility, and thermodynamic stability) indicates that this missense variant is not expected to disrupt EGFR protein function with a negative predictive value of 80%. In summary, the available evidence is currently insufficient to determine the role of this variant in disease. Therefore, it has been classified as a Variant of Uncertain Significance.

NM_005228.5(EGFR):c.640A>T (p.Ile214Phe)

Gene: EGFR (epidermal growth factor receptor; plus strand). Cytogenetic location: 7p11.2.
Variant type: single nucleotide variant.
Coding change: c.640A>T on transcript NM_005228.5 (MANE Select); coding-DNA position 640, A replaced by T.
Protein change: p.Ile214Phe; replaces isoleucine 214 with phenylalanine.
Molecular consequence: missense variant. On other transcripts: intron variant (1).
Genome position (GRCh38, 1-based): chr7:55,152,557, A>T. VCF-style: chr7-55152557-A-T. GRCh37 (hg19) VCF-style: chr7-55220250-A-T.
Other names: c.505A>T, p.Ile169Phe (NM_001346897.2, NM_001346899.2); c.640A>T, p.Ile214Phe (NM_001346898.2, NM_201282.2, NM_201283.2 and 1 more transcripts); c.481A>T, p.Ile161Phe (NM_001346900.2); c.89-3273A>T (NM_001346941.2); short protein forms I169F, I214F, I161F.
Identifiers: ClinVar variation 3710484 (VCV003710484.2).
Genomic context (GRCh38, chr7:55,152,557, plus strand): 5'-GATCCTACCCTCACTCTTCAGCTCACAGGGAACCTTTGCTCTTTTTCAGTGACCAAAATC[A>T]TCTGTGCCCAGCAGTGCTCCGGGCGCTGCCGTGGCAAGTCCCCCAGTGACTGCTGCCACA-3'
Protein context (NP_005219.2, residues 204-224): EENCQKLTKI[Ile214Phe]CAQQCSGRCR